The following is an entry in ClinVar:

NM_012295.4(CABIN1):c.5217C>T (p.Asp1739=)

Gene: CABIN1 (calcineurin binding protein 1; plus strand). Cytogenetic location: 22q11.23.
Variant type: single nucleotide variant.
Coding change: c.5217C>T on transcript NM_012295.4 (MANE Select); coding-DNA position 5217, C replaced by T.
Protein change: p.Asp1739=; no amino-acid change (aspartic acid 1739 retained).
Molecular consequence: synonymous variant.
Genome position (GRCh38, 1-based): chr22:24,166,848, C>T. VCF-style: chr22-24166848-C-T. GRCh37 (hg19) VCF-style: chr22-24562816-C-T.
Other names: c.5217C>T, p.Asp1739= (NM_001199281.1); c.5067C>T, p.Asp1689= (NM_001201429.2).
Identifiers: ClinVar variation 3044159 (VCV003044159.2), dbSNP rs199957763, ClinGen allele CA10149707.

ClinVar aggregate classification (germline): Likely benign (0 of 4 stars; one submission).

Conditions:
CABIN1-related disorder. Also called: CABIN1-related condition.

Allele frequency attached by ClinVar (database versions not stated): TOPMed 0.00006; gnomAD 0.00026; gnomAD exomes 0.00037; ExAC 0.00104; 1000 Genomes Project 0.00260; 1000 Genomes Project 30x 0.00297.
gnomAD v4.1: 575 of 1,612,896 alleles (0.036%); highest among the groups gnomAD compares: South Asian, 0.61%; 6 homozygotes.

Submission:

PreventionGenetics, part of Exact Sciences
Classification: Likely benign for CABIN1-related condition. Last evaluated: 2019-06-06. Review status: no assertion criteria provided. Collection method: clinical testing. Allele origin: germline.
Comment: This variant is classified as likely benign based on ACMG/AMP sequence variant interpretation guidelines (Richards et al. 2015 PMID: 25741868, with internal and published modifications).